The following is an entry in ClinVar:

ClinVar aggregate classification (germline): Likely benign. Review status: criteria provided, single submitter (1 of 4 stars). 2 submissions from 2 submitters: Likely benign (1). 1 of the submissions does not count toward it. Last evaluated 2026-07-01.

Conditions:
CAPN15-related disorder. Also called: CAPN15-related condition.

Allele frequency attached by ClinVar (database versions not stated): 1000 Genomes Project 30x 0.00016; 1000 Genomes Project 0.00020; TOPMed 0.00035; ESP Exome Variant Server 0.00042; gnomAD 0.00053; gnomAD exomes 0.00053; ExAC 0.00139.
gnomAD v4.1: 852 of 1,583,568 alleles (0.054%); highest among the groups gnomAD compares: Middle Eastern, 0.25%; 1 homozygote.

Submissions (2):

CeGaT Center for Human Genetics Tuebingen
Classification: Likely benign. Last evaluated: 2026-07-01. Review status: criteria provided, single submitter. Criteria: CeGaT Center For Human Genetics Tuebingen Variant Classification Criteria Version 2. Collection method: clinical testing. Allele origin: germline. Affected: yes. Observed: 2 variant alleles.
Comment: CAPN15: BP4, BP7

PreventionGenetics, part of Exact Sciences
Classification: Likely benign for CAPN15-related condition. Last evaluated: 2019-08-15. Review status: no assertion criteria provided. Collection method: clinical testing. Allele origin: germline. Not counted in ClinVar's aggregate classification.
Comment: This variant is classified as likely benign based on ACMG/AMP sequence variant interpretation guidelines (Richards et al. 2015 PMID: 25741868, with internal and published modifications).

NM_005632.3(CAPN15):c.597G>A (p.Ala199=)

Gene: CAPN15 (calpain 15; plus strand). Cytogenetic location: 16p13.3.
Variant type: single nucleotide variant.
Coding change: c.597G>A on transcript NM_005632.3 (MANE Select); coding-DNA position 597, G replaced by A.
Protein change: p.Ala199=; no amino-acid change (alanine 199 retained).
Molecular consequence: synonymous variant.
Genome position (GRCh38, 1-based): chr16:547,435, G>A. VCF-style: chr16-547435-G-A. GRCh37 (hg19) VCF-style: chr16-597435-G-A.
Identifiers: ClinVar variation 3052817 (VCV003052817.10), dbSNP rs377457205, ClinGen allele CA7778118.